The following is an entry in ClinVar:

NM_001430.5(EPAS1):c.764C>T (p.Thr255Ile)

Genes: EPAS1 (endothelial PAS domain protein 1; plus strand), LOC126806210 (BRD4-independent group 4 enhancer GRCh37_chr2:46587586-46588785; plus strand). Cytogenetic location: 2p21.
Variant type: single nucleotide variant.
Coding change: c.764C>T on transcript NM_001430.5 (MANE Select); coding-DNA position 764, C replaced by T.
Protein change: p.Thr255Ile; replaces threonine 255 with isoleucine.
Molecular consequence: missense variant.
Genome position (GRCh38, 1-based): chr2:46,361,075, C>T. VCF-style: chr2-46361075-C-T. GRCh37 (hg19) VCF-style: chr2-46588214-C-T.
Other names: short protein forms T255I.
Identifiers: ClinVar variation 2456774 (VCV002456774.2), dbSNP rs1465471573, ClinGen allele CA346700416.
Genomic context (GRCh38, chr2:46,361,075, plus strand): 5'-TGGACATCCCCCTGGATAGCAAGACCTTCCTGAGCCGCCACAGCATGGACATGAAGTTCA[C>T]CTACTGTGATGACAGGTAGGGGGCCATGGGTGTGTATGCTGTGGGCAGAGATGGGTCTTA-3'
Protein context (NP_001421.2, residues 245-265): LSRHSMDMKF[Thr255Ile]YCDDRITELI

ClinVar aggregate classification (germline): Uncertain significance (1 of 4 stars; one submission).

Conditions:
Inborn genetic diseases. Identifiers: MedGen C0950123, MeSH D030342.

Allele frequency attached by ClinVar (database versions not stated): gnomAD exomes below 0.00001.
gnomAD v4.1: 2 of 1,614,156 alleles (0.00012%); highest among the groups gnomAD compares: East Asian, 0.0045%; no homozygotes.

Submission:

Ambry Genetics
Classification: Uncertain significance for Inborn genetic diseases. Last evaluated: 2022-11-25. Review status: criteria provided, single submitter. Criteria: Ambry Variant Classification Scheme 2023. Collection method: clinical testing. Allele origin: germline.
Comment: The p.T255I variant (also known as c.764C>T), located in coding exon 6 of the EPAS1 gene, results from a C to T substitution at nucleotide position 764. The threonine at codon 255 is replaced by isoleucine, an amino acid with similar properties. This amino acid position is conserved. In addition, the in silico prediction for this alteration is inconclusive. Since supporting evidence is limited at this time, the clinical significance of this alteration remains unclear.